The following is an entry in ClinVar:

NM_002768.5(CHMP1A):c.382-8G>T

Gene: CHMP1A (charged multivesicular body protein 1A; minus strand). Cytogenetic location: 16q24.3.
Variant type: single nucleotide variant.
Coding change: c.382-8G>T on transcript NM_002768.5 (MANE Select); 8 bases into the intron before coding-DNA position 382, G replaced by T.
Molecular consequence: intron variant.
Genome position (GRCh38, 1-based): chr16:89,646,722, C>A on the plus strand (G>T on the coding strand, the complement: CHMP1A is on the minus strand). VCF-style: chr16-89646722-C-A. GRCh37 (hg19) VCF-style: chr16-89713130-C-A.
Other names: c.362-8G>T (NM_001083314.4).
Identifiers: ClinVar variation 128731 (VCV000128731.15), dbSNP rs116634240, ClinGen allele CA152368.

ClinVar aggregate classification (germline): Benign. Review status: criteria provided, multiple submitters, no conflicts (2 of 4 stars). 3 submissions from 3 submitters: Benign (2). 1 of the submissions does not count toward it. Last evaluated 2026-02-04.

Allele frequency attached by ClinVar (database versions not stated): gnomAD exomes 0.00286; ExAC 0.00460; gnomAD 0.01196 and 0.01279; TOPMed 0.01310; ESP Exome Variant Server 0.01410; 1000 Genomes Project 0.01518; 1000 Genomes Project 30x 0.01686.
gnomAD v4.1: 3,555 of 1,606,244 alleles (0.22%); highest among the groups gnomAD compares: African/African-American, 4.3%; 68 homozygotes.

Submissions (3):

Labcorp Genetics (formerly Invitae), Labcorp
Classification: Benign. Last evaluated: 2026-02-04. Review status: criteria provided, single submitter. Criteria: Invitae Variant Classification Sherloc (09022015). Collection method: clinical testing. Allele origin: germline.

GeneDx
Classification: Benign. Last evaluated: 2016-09-12. Review status: criteria provided, single submitter. Criteria: GeneDx Variant Classification (06012015). Collection method: clinical testing. Allele origin: germline. Affected: yes.
Comment: This variant is considered likely benign or benign based on one or more of the following criteria: it is a conservative change, it occurs at a poorly conserved position in the protein, it is predicted to be benign by multiple in silico algorithms, and/or has population frequency not consistent with disease.

Genetic Services Laboratory, University of Chicago
Classification: Likely benign for AllHighlyPenetrant. Review status: no assertion criteria provided. Collection method: clinical testing. Allele origin: germline. Inheritance: Autosomal recessive inheritance. Not counted in ClinVar's aggregate classification.
Comment: Likely benign based on allele frequency in 1000 Genomes Project or ESP global frequency and its presence in a patient with a rare or unrelated disease phenotype. NOT Sanger confirmed.